The following is an entry in ClinVar:

NM_000548.5(TSC2):c.1656A>G (p.Ala552=)

Gene: TSC2 (TSC complex subunit 2; plus strand). Cytogenetic location: 16p13.3.
Variant type: single nucleotide variant.
Coding change: c.1656A>G on transcript NM_000548.5 (MANE Select); coding-DNA position 1656, A replaced by G.
Protein change: p.Ala552=; no amino-acid change (alanine 552 retained).
Molecular consequence: synonymous variant.
Genome position (GRCh38, 1-based): chr16:2,065,575, A>G. VCF-style: chr16-2065575-A-G. GRCh37 (hg19) VCF-style: chr16-2115576-A-G.
Other names: c.1656A>G, p.Ala552= (NM_001077183.3, NM_001114382.3, NM_001363528.2 and 3 more transcripts); c.1545A>G, p.Ala515= (NM_001318827.2); c.1509A>G, p.Ala503= (NM_001318829.2); c.1056A>G, p.Ala352= (NM_001318831.2); c.1689A>G, p.Ala563= (NM_001318832.2).
Identifiers: ClinVar variation 64851 (VCV000064851.39), dbSNP rs373515515, ClinGen allele CA015413.
Genomic context (GRCh38, chr16:2,065,575, plus strand): 5'-AAAGGTGATGGCCCGCTCCCTCTCCCCACCCCCGGAGCTGGAAGAAAGGGATGTGGCCGC[A>G]TACTCGGCCTCCTTGGAGGATGTGAAGACAGCCGTCCTGGGGCTTCTGGTCATCCTTCAG-3'
Protein context (NP_000539.2, residues 542-562): PPELEERDVA[Ala552=]YSASLEDVKT

ClinVar aggregate classification (germline): Conflicting classifications of pathogenicity. Review status: criteria provided, conflicting classifications (1 of 4 stars). 10 submissions from 10 submitters: Uncertain significance (1); Benign (2); Likely benign (6). 1 of the submissions does not count toward it. Last evaluated 2026-02-04.

Conditions:
Hereditary cancer-predisposing syndrome. Also called: Tumor predisposition; Neoplastic Syndromes, Hereditary; Hereditary neoplastic syndrome; Hereditary Cancer Syndrome. Identifiers: Orphanet 140162, MedGen C0027672, MeSH D009386, MONDO:0015356.
Tuberous sclerosis syndrome (TSC). Also called: Tuberous Sclerosis Complex; Tuberous sclerosis. Identifiers: Orphanet 805, MedGen C0041341, MONDO:0001734.
Tuberous sclerosis 2 (TSC2). Identifiers: Orphanet 805, MedGen C1860707, MONDO:0013199, OMIM 613254.

Allele frequency attached by ClinVar (database versions not stated): ExAC 0.00002; gnomAD exomes 0.00002; TOPMed 0.00002; gnomAD 0.00007; ESP Exome Variant Server 0.00008.

Submissions (10):

Labcorp Genetics (formerly Invitae), Labcorp
Classification: Benign for Tuberous sclerosis 2. Last evaluated: 2026-02-04. Review status: criteria provided, single submitter. Criteria: Invitae Variant Classification Sherloc (09022015). Collection method: clinical testing. Allele origin: germline.

Myriad Genetics, Inc.
Classification: Benign for Tuberous sclerosis 2. Last evaluated: 2025-05-15. Review status: criteria provided, single submitter. Criteria: Myriad Autosomal Dominant, Autosomal Recessive and X-Linked Classification Criteria (2023). Collection method: clinical testing. Allele origin: unknown.
Comment: This variant is considered benign. This variant is a silent/synonymous amino acid change and it is not expected to impact splicing.

Color Diagnostics, LLC DBA Color Health
Classification: Likely benign for Tuberous sclerosis syndrome. Last evaluated: 2022-09-21. Review status: criteria provided, single submitter. Criteria: ACMG Guidelines, 2015. Collection method: clinical testing. Allele origin: germline.

Genome-Nilou Lab
Classification: Likely benign for Tuberous sclerosis 2. Last evaluated: 2021-11-07. Review status: criteria provided, single submitter. Criteria: ACMG Guidelines, 2015. Collection method: clinical testing. Allele origin: germline. Affected: no.

Sema4
Classification: Likely benign for Hereditary cancer-predisposing syndrome. Last evaluated: 2021-09-07. Review status: criteria provided, single submitter. Criteria: Sema4 Curation Guidelines. Collection method: curation. Allele origin: germline.

Blueprint Genetics
Classification: Likely benign. Last evaluated: 2021-08-13. Review status: criteria provided, single submitter. Criteria: ACMG Guidelines, 2015. Collection method: clinical testing. Allele origin: germline.

Mendelics
Classification: Likely benign for Tuberous sclerosis 2. Last evaluated: 2019-05-28. Review status: criteria provided, single submitter. Criteria: Mendelics Assertion Criteria 2017. Collection method: clinical testing. Allele origin: unknown.

Illumina Laboratory Services, Illumina
Classification: Uncertain significance for Tuberous sclerosis syndrome. Last evaluated: 2017-04-27. Review status: criteria provided, single submitter. Criteria: ICSL Variant Classification Criteria 13 December 2019. Collection method: clinical testing. Allele origin: germline.

Ambry Genetics
Classification: Likely benign for Hereditary cancer-predisposing syndrome. Last evaluated: 2015-11-05. Review status: criteria provided, single submitter. Criteria: Ambry Variant Classification Scheme 2023. Collection method: clinical testing. Allele origin: germline.

Tuberous sclerosis database (TSC2)
No classification provided. Condition: TSC. Review status: no classification provided. Criteria: Tuberous Sclerosis Database Assertion Criteria 2015. Collection method: curation. Allele origin: germline. Affected: yes. Not counted in ClinVar's aggregate classification.